The following is an entry in ClinVar:

NM_005475.3(SH2B3):c.391G>C (p.Gly131Arg)

Gene: SH2B3 (SH2B adaptor protein 3; plus strand). Cytogenetic location: 12q24.12.
Variant type: single nucleotide variant.
Coding change: c.391G>C on transcript NM_005475.3 (MANE Select); coding-DNA position 391, G replaced by C.
Protein change: p.Gly131Arg; replaces glycine 131 with arginine.
Molecular consequence: missense variant.
Genome position (GRCh38, 1-based): chr12:111,418,536, G>C. VCF-style: chr12-111418536-G-C. GRCh37 (hg19) VCF-style: chr12-111856340-G-C.
Other names: short protein forms G131R.
Identifiers: ClinVar variation 3795198 (VCV003795198.1).
Genomic context (GRCh38, chr12:111,418,536, plus strand): 5'-GCCGCCCCTGGCCTGCCCAAGGCCCGCAGCTCTGAGGAGCTGGCCCCGCCGCGGCCGCCC[G>C]GGCCCTGCTCCTTCCAGCACTTTCGCCGCAGCCTCCGCCACATCTTCCGCCGCCGCTCGG-3'
Protein context (NP_005466.1, residues 121-141): SEELAPPRPP[Gly131Arg]PCSFQHFRRS

ClinVar aggregate classification (germline): Uncertain significance (1 of 4 stars; one submission).

Conditions:
Inborn genetic diseases. Identifiers: MedGen C0950123, MeSH D030342.

Submission:

Ambry Genetics
Classification: Uncertain significance for Inborn genetic diseases. Last evaluated: 2025-02-15. Review status: criteria provided, single submitter. Criteria: Ambry Variant Classification Scheme 2023. Collection method: clinical testing. Allele origin: germline.
Comment: The p.G131R variant (also known as c.391G>C), located in coding exon 1 of the SH2B3 gene, results from a G to C substitution at nucleotide position 391. The glycine at codon 131 is replaced by arginine, an amino acid with dissimilar properties. This amino acid position is conserved. In addition, this alteration is predicted to be tolerated by in silico analysis. Based on the available evidence, the clinical significance of this variant remains unclear.